The following is an entry in ClinVar:

NM_001854.4(COL11A1):c.2502+1G>C

Gene: COL11A1 (collagen type XI alpha 1 chain; minus strand). Cytogenetic location: 1p21.1.
Variant type: single nucleotide variant.
Coding change: c.2502+1G>C on transcript NM_001854.4 (MANE Select); the canonical splice donor site of the intron after coding-DNA position 2502, G replaced by C.
Molecular consequence: splice donor variant.
Genome position (GRCh38, 1-based): chr1:102,987,632, C>G on the plus strand (G>C on the coding strand, the complement: COL11A1 is on the minus strand). VCF-style: chr1-102987632-C-G. GRCh37 (hg19) VCF-style: chr1-103453188-C-G.
Other names: c.2385+1G>C (NM_001190709.2); c.2538+1G>C (NM_080629.3); c.2154+1G>C (NM_080630.4).
Identifiers: ClinVar variation 3655785 (VCV003655785.2).

ClinVar aggregate classification (germline): Likely pathogenic (1 of 4 stars; one submission).

Submission:

Labcorp Genetics (formerly Invitae), Labcorp
Classification: Likely pathogenic. Last evaluated: 2024-06-06. Review status: criteria provided, single submitter. Criteria: Invitae Variant Classification Sherloc (09022015). Collection method: clinical testing. Allele origin: germline.
Comment: This sequence change affects a donor splice site in intron 30 of the COL11A1 gene. It is expected to disrupt RNA splicing. Variants that disrupt the donor or acceptor splice site typically lead to a loss of protein function (PMID: 16199547), and loss-of-function variants in COL11A1 are known to be pathogenic (PMID: 20513134, 21035103, 23922384, 25240749, 32427345, 32756486). This variant is not present in population databases (gnomAD no frequency). This variant has not been reported in the literature in individuals affected with COL11A1-related conditions. Algorithms developed to predict the effect of sequence changes on RNA splicing suggest that this variant may disrupt the consensus splice site. In summary, the currently available evidence indicates that the variant is pathogenic, but additional data are needed to prove that conclusively. Therefore, this variant has been classified as Likely Pathogenic.

Literature cited by the submitters: PubMed 16199547; PubMed 20513134; PubMed 21035103; PubMed 23922384; PubMed 25240749; PubMed 32427345; PubMed 32756486.